The following is an entry in ClinVar:

ClinVar aggregate classification (germline): Benign. Review status: criteria provided, multiple submitters, no conflicts (2 of 4 stars). 15 submissions from 12 submitters: Benign (11). 4 of the submissions do not count toward it. Last evaluated 2026-02-03.

Conditions:
Emery-Dreifuss muscular dystrophy 4, autosomal dominant (EDMD4). Also called: EMERY-DREIFUSS MUSCULAR DYSTROPHY 4 WITH VARIABLE FEATURES. Identifiers: Orphanet 261, MedGen C2751807, MONDO:0013071, OMIM 612998.
Autosomal recessive ataxia, Beauce type. Also called: SYNE1 Deficiency; Spinocerebellar ataxia, autosomal recessive 8; ATAXIA, RECESSIVE, OF BEAUCE; SYNE1-Related Autosomal Recessive Cerebellar Ataxia. Identifiers: Orphanet 88644, MedGen C1853116, MONDO:0012549, OMIM 610743.
Arthrogryposis multiplex congenita 3, myogenic type. Also called: ARTHROGRYPOSIS MULTIPLEX CONGENITA, MYOGENIC TYPE. Identifiers: MedGen C5193121, MONDO:0032778, OMIM 618484.

Allele frequency attached by ClinVar (database versions not stated): 1000 Genomes Project 0.54553; 1000 Genomes Project 30x 0.54903; gnomAD 0.55815 and 0.55938; TOPMed 0.56202; ESP Exome Variant Server 0.56728; ExAC 0.57615; gnomAD exomes 0.58322 and 0.60481.
gnomAD v4.1: 968,759 of 1,613,888 alleles (60%); highest among the groups gnomAD compares: East Asian, 64%; 292,794 homozygotes.

Submissions (15):

Labcorp Genetics (formerly Invitae), Labcorp
Classification: Benign for Emery-Dreifuss muscular dystrophy 4, autosomal dominant; Autosomal recessive ataxia, Beauce type. Last evaluated: 2026-02-03. Review status: criteria provided, single submitter. Criteria: Invitae Variant Classification Sherloc (09022015). Collection method: clinical testing. Allele origin: germline.

Blueprint Genetics
Classification: Benign. Last evaluated: 2024-11-27. Review status: criteria provided, single submitter. Criteria: ACMG Guidelines, 2015. Collection method: clinical testing. Allele origin: germline.

Genome-Nilou Lab
Classification: Benign for Arthrogryposis multiplex congenita 3, myogenic type. Last evaluated: 2021-07-15. Review status: criteria provided, single submitter. Criteria: ACMG Guidelines, 2015. Collection method: clinical testing. Allele origin: germline. Affected: no.

Genome-Nilou Lab
Classification: Benign for Emery-Dreifuss muscular dystrophy 4, autosomal dominant. Last evaluated: 2021-07-15. Review status: criteria provided, single submitter. Criteria: ACMG Guidelines, 2015. Collection method: clinical testing. Allele origin: germline. Affected: no.

Genome-Nilou Lab
Classification: Benign for Autosomal recessive ataxia, Beauce type. Last evaluated: 2021-07-15. Review status: criteria provided, single submitter. Criteria: ACMG Guidelines, 2015. Collection method: clinical testing. Allele origin: germline. Affected: no.

Athena Diagnostics
Classification: Benign. Last evaluated: 2018-11-02. Review status: criteria provided, single submitter. Criteria: Athena Diagnostics Criteria. Collection method: clinical testing. Allele origin: germline.

Illumina Laboratory Services, Illumina
Classification: Benign for Autosomal recessive ataxia, Beauce type. Last evaluated: 2018-01-12. Review status: criteria provided, single submitter. Criteria: ICSL Variant Classification Criteria 13 December 2019. Collection method: clinical testing. Allele origin: germline.
Comment: This variant was observed in the ICSL laboratory as part of a predisposition screen in an ostensibly healthy population. It had not been previously curated by ICSL or reported in the Human Gene Mutation Database (HGMD: prior to June 1st, 2018), and was therefore a candidate for classification through an automated scoring system. Utilizing variant allele frequency, disease prevalence and penetrance estimates, and inheritance mode, an automated score was calculated to assess if this variant is too frequent to cause the disease. Based on the score and internal cut-off values, a variant classified as benign is not then subjected to further curation. The score for this variant resulted in a classification of benign for this disease.

Illumina Laboratory Services, Illumina
Classification: Benign for Emery-Dreifuss muscular dystrophy 4, autosomal dominant. Last evaluated: 2018-01-12. Review status: criteria provided, single submitter. Criteria: ICSL Variant Classification Criteria 13 December 2019. Collection method: clinical testing. Allele origin: germline.
Comment: the same text as in the submission from Illumina Laboratory Services, Illumina above.

Mayo Clinic Laboratories, Mayo Clinic
Classification: Benign. Last evaluated: 2017-07-24. Review status: criteria provided, single submitter. Criteria: ACMG Guidelines, 2015. Collection method: clinical testing. Allele origin: germline. Observed: 956 variant alleles.

GeneDx
Classification: Benign. Last evaluated: 2016-01-05. Review status: criteria provided, single submitter. Criteria: GeneDx Variant Classification (06012015). Collection method: clinical testing. Allele origin: germline. Affected: yes.
Comment: This variant is considered likely benign or benign based on one or more of the following criteria: it is a conservative change, it occurs at a poorly conserved position in the protein, it is predicted to be benign by multiple in silico algorithms, and/or has population frequency not consistent with disease.

PreventionGenetics, part of Exact Sciences
Classification: Benign. Review status: criteria provided, single submitter. Criteria: ACMG Guidelines, 2015. Collection method: clinical testing. Allele origin: germline.

Clinical Genetics DNA and cytogenetics Diagnostics Lab, Erasmus MC, Erasmus Medical Center
Classification: Benign. Review status: no assertion criteria provided. Collection method: clinical testing. Allele origin: germline. Affected: yes. Study: VKGL Data-share Consensus. Not counted in ClinVar's aggregate classification.

Clinical Genetics, Academic Medical Center
Classification: Benign. Review status: no assertion criteria provided. Collection method: clinical testing. Allele origin: germline. Affected: yes. Study: VKGL Data-share Consensus. Not counted in ClinVar's aggregate classification.

Genetic Services Laboratory, University of Chicago
Classification: Likely benign for AllHighlyPenetrant. Review status: no assertion criteria provided. Collection method: clinical testing. Allele origin: germline. Inheritance: Autosomal dominant inheritance. Not counted in ClinVar's aggregate classification.
Comment: Likely benign based on allele frequency in 1000 Genomes Project or ESP global frequency and its presence in a patient with a rare or unrelated disease phenotype. NOT Sanger confirmed.

Joint Genome Diagnostic Labs from Nijmegen and Maastricht, Radboudumc and MUMC+
Classification: Benign. Review status: no assertion criteria provided. Collection method: clinical testing. Allele origin: germline. Affected: yes. Study: VKGL Data-share Consensus. Not counted in ClinVar's aggregate classification.

NM_182961.4(SYNE1):c.12180G>T (p.Glu4060Asp)

Gene: SYNE1 (spectrin repeat containing nuclear envelope protein 1; minus strand). Cytogenetic location: 6q25.2.
Variant type: single nucleotide variant.
Coding change: c.12180G>T on transcript NM_182961.4 (MANE Select); coding-DNA position 12180, G replaced by T.
Protein change: p.Glu4060Asp; replaces glutamic acid 4060 with aspartic acid.
Molecular consequence: missense variant.
Genome position (GRCh38, 1-based): chr6:152,344,126, C>A on the plus strand (G>T on the coding strand, the complement: SYNE1 is on the minus strand). VCF-style: chr6-152344126-C-A. GRCh37 (hg19) VCF-style: chr6-152665261-C-A.
Other names: p.Glu3989Asp; c.11967G>T, p.Glu3989Asp (NM_033071.5); short protein forms E3989D, E4060D.
Identifiers: ClinVar variation 130397 (VCV000130397.28), dbSNP rs4645434, ClinGen allele CA155340.